The following is an entry in ClinVar:

NM_000059.4(BRCA2):c.6777_6778del (p.Asn2259fs)

Gene: BRCA2 (BRCA2 DNA repair associated; plus strand). Cytogenetic location: 13q13.1.
Variant type: Deletion.
Coding change: c.6777_6778del on transcript NM_000059.4 (MANE Select); coding-DNA positions 6777 to 6778, 2 bases deleted (TG; older notation c.6777_6778delTG).
Protein change: p.Asn2259fs; shifts the reading frame from asparagine 2259.
Molecular consequence: frameshift variant.
Genome position (GRCh38, 1-based): chr13:32,341,132-32,341,133, TG deleted. VCF-style (leftmost placement, unchanged base first): chr13-32341131-ATG-A. GRCh37 (hg19) VCF-style: chr13-32915268-ATG-A.
Other names: c.6777_6778delTG (NM_000059.3); short protein forms N2259fs.
Identifiers: ClinVar variation 188435 (VCV000188435.20), dbSNP rs786204279, ClinGen allele CA024404.

ClinVar aggregate classification (germline): Pathogenic. Review status: reviewed by expert panel (3 of 4 stars). 6 submissions from 6 submitters: Pathogenic (1). 5 of the submissions do not count toward it. Last evaluated 2016-09-08.

Conditions:
Hereditary cancer-predisposing syndrome. Also called: Hereditary Cancer Syndrome; Neoplastic Syndromes, Hereditary; Tumor predisposition; Hereditary neoplastic syndrome. Identifiers: Orphanet 140162, MedGen C0027672, MeSH D009386, MONDO:0015356.
Hereditary breast ovarian cancer syndrome. Also called: Hereditary breast and ovarian cancer; Hereditary breast and ovarian cancer syndrome; Breast and ovarian cancer; Hereditary breast and ovarian cancer syndrome (HBOC); Hereditary breast and/or ovarian cancer syndrome; BRCA1- and BRCA2-Associated Hereditary Breast and Ovarian Cancer. Identifiers: Orphanet 145, MedGen C0677776, MeSH D061325, MONDO:0003582. Disease mechanism: loss of function.
Breast-ovarian cancer, familial, susceptibility to, 2 (BROVCA2). Also called: BRCA2 Hereditary Breast and Ovarian Cancer. Identifiers: Orphanet 145, MedGen C2675520, MONDO:0012933, OMIM 612555. Disease mechanism: loss of function.
Familial cancer of breast. Also called: BREAST CANCER, FAMILIAL; Hereditary breast cancer; hereditary breast carcinoma. Identifiers: Orphanet 227535, MedGen C0346153, MONDO:0016419, OMIM 114480. Disease mechanism: loss of function.

Submissions (6):

Evidence-based Network for the Interpretation of Germline Mutant Alleles (ENIGMA)
Classification: Pathogenic for Breast-ovarian cancer, familial, susceptibility to, 2. Last evaluated: 2016-09-08. Review status: reviewed by expert panel. Criteria: ENIGMA BRCA1/2 Classification Criteria (2015). Collection method: curation. Allele origin: germline.
Comment: Variant allele predicted to encode a truncated non-functional protein.

Myriad Genetics, Inc.
Classification: Pathogenic for Breast-ovarian cancer, familial, susceptibility to, 2. Last evaluated: 2024-04-24. Review status: criteria provided, single submitter. Criteria: Myriad Autosomal Dominant, Autosomal Recessive and X-Linked Classification Criteria (2023). Collection method: clinical testing. Allele origin: unknown. Not counted in ClinVar's aggregate classification.
Comment: This variant is considered pathogenic. This variant creates a frameshift predicted to result in premature protein truncation.

Baylor Genetics
Classification: Likely pathogenic for Familial cancer of breast. Last evaluated: 2023-11-20. Review status: criteria provided, single submitter. Criteria: ACMG Guidelines, 2015. Collection method: clinical testing. Allele origin: unknown. Not counted in ClinVar's aggregate classification.

Ambry Genetics
Classification: Pathogenic for Hereditary cancer-predisposing syndrome. Last evaluated: 2022-05-02. Review status: criteria provided, single submitter. Criteria: Ambry Variant Classification Scheme 2023. Collection method: clinical testing. Allele origin: germline. Not counted in ClinVar's aggregate classification.
Comment: The c.6777_6778delTG pathogenic mutation, located in coding exon 10 of the BRCA2 gene, results from a deletion of two nucleotides at nucleotide positions 6777 to 6778, causing a translational frameshift with a predicted alternate stop codon (p.N2259Kfs*33). This variant is considered to be rare based on population cohorts in the Genome Aggregation Database (gnomAD). This alteration is expected to result in loss of function by premature protein truncation or nonsense-mediated mRNA decay. As such, this alteration is interpreted as a disease-causing mutation.

Color Diagnostics, LLC DBA Color Health
Classification: Pathogenic for Hereditary cancer-predisposing syndrome. Last evaluated: 2022-02-11. Review status: criteria provided, single submitter. Criteria: ACMG Guidelines, 2015. Collection method: clinical testing. Allele origin: germline. Not counted in ClinVar's aggregate classification.
Comment: This variant deletes 2 nucleotides in exon 11 of the BRCA2 gene, creating a frameshift and premature translation stop signal. This variant is expected to result in an absent or non-functional protein product. To our knowledge, this variant has not been reported in individuals affected with hereditary cancer in the literature. This variant has not been identified in the general population by the Genome Aggregation Database (gnomAD). Loss of BRCA2 function is a known mechanism of disease. Based on the available evidence, this variant is classified as Pathogenic.

Labcorp Genetics (formerly Invitae), Labcorp
Classification: Pathogenic for Hereditary breast ovarian cancer syndrome. Last evaluated: 2021-08-02. Review status: criteria provided, single submitter. Criteria: Invitae Variant Classification Sherloc (09022015). Collection method: clinical testing. Allele origin: germline. Not counted in ClinVar's aggregate classification.
Comment: This variant is not present in population databases (ExAC no frequency). For these reasons, this variant has been classified as Pathogenic. Loss-of-function variants in BRCA2 are known to be pathogenic (PMID: 20104584). This variant has been reported in individuals in the Leiden Open-source Variation Database (PMID: 21520333). ClinVar contains an entry for this variant (Variation ID: 188435). This sequence change creates a premature translational stop signal (p.Asn2259Lysfs*33) in the BRCA2 gene. It is expected to result in an absent or disrupted protein product.

Literature cited by the submitters: PubMed 20104584 (cited by Labcorp Genetics (formerly Invitae), Labcorp); PubMed 21520333 (cited by Labcorp Genetics (formerly Invitae), Labcorp).